The following is an entry in ClinVar:

NM_005121.3(MED13):c.4567T>G (p.Ser1523Ala)

Gene: MED13 (mediator complex subunit 13; minus strand). Cytogenetic location: 17q23.2.
Variant type: single nucleotide variant.
Coding change: c.4567T>G on transcript NM_005121.3 (MANE Select); coding-DNA position 4567, T replaced by G.
Protein change: p.Ser1523Ala; replaces serine 1523 with alanine.
Molecular consequence: missense variant.
Genome position (GRCh38, 1-based): chr17:61,965,283, A>C on the plus strand (T>G on the coding strand, the complement: MED13 is on the minus strand). VCF-style: chr17-61965283-A-C. GRCh37 (hg19) VCF-style: chr17-60042644-A-C.
Other names: short protein forms S1523A.
Identifiers: ClinVar variation 2421492 (VCV002421492.6), dbSNP rs777805601, ClinGen allele CA8692395.

ClinVar aggregate classification (germline): Uncertain significance (1 of 4 stars; one submission).

Allele frequency attached by ClinVar (database versions not stated): ExAC 0.00001; gnomAD exomes 0.00001; TOPMed 0.00001.
gnomAD v4.1: 16 of 1,614,214 alleles (0.00099%); highest among the groups gnomAD compares: Middle Eastern, 0.016%; no homozygotes.

Submission:

Labcorp Genetics (formerly Invitae), Labcorp
Classification: Uncertain significance. Last evaluated: 2024-08-28. Review status: criteria provided, single submitter. Criteria: Invitae Variant Classification Sherloc (09022015). Collection method: clinical testing. Allele origin: germline.
Comment: This sequence change replaces serine, which is neutral and polar, with alanine, which is neutral and non-polar, at codon 1523 of the MED13 protein (p.Ser1523Ala). This variant is present in population databases (rs777805601, gnomAD 0.0009%). This variant has not been reported in the literature in individuals affected with MED13-related conditions. ClinVar contains an entry for this variant (Variation ID: 2421492). Invitae Evidence Modeling of protein sequence and biophysical properties (such as structural, functional, and spatial information, amino acid conservation, physicochemical variation, residue mobility, and thermodynamic stability) indicates that this missense variant is not expected to disrupt MED13 protein function with a negative predictive value of 95%. In summary, the available evidence is currently insufficient to determine the role of this variant in disease. Therefore, it has been classified as a Variant of Uncertain Significance.